The following is an entry in ClinVar:

ClinVar aggregate classification (germline): Uncertain significance (1 of 4 stars; one submission).

Conditions:
Bardet-Biedl syndrome (BBS). Identifiers: Orphanet 110, MedGen C0752166, MONDO:0015229.

Allele frequency attached by ClinVar (database versions not stated): gnomAD exomes below 0.00001; TOPMed below 0.00001; gnomAD 0.00001.
gnomAD v4.1: 2 of 1,613,312 alleles (0.00012%); highest among the groups gnomAD compares: Non-Finnish European, 0.00017%; no homozygotes.

Submission:

Labcorp Genetics (formerly Invitae), Labcorp
Classification: Uncertain significance for Bardet-Biedl syndrome. Last evaluated: 2020-05-21. Review status: criteria provided, single submitter. Criteria: Invitae Variant Classification Sherloc (09022015). Collection method: clinical testing. Allele origin: germline.
Comment: Algorithms developed to predict the effect of missense changes on protein structure and function (SIFT, PolyPhen-2, Align-GVGD) all suggest that this variant is likely to be disruptive, but these predictions have not been confirmed by published functional studies and their clinical significance is uncertain. This sequence change replaces alanine with valine at codon 504 of the WDPCP protein (p.Ala504Val). The alanine residue is highly conserved and there is a small physicochemical difference between alanine and valine. This variant is not present in population databases (ExAC no frequency). This variant has not been reported in the literature in individuals with WDPCP-related conditions. Algorithms developed to predict the effect of sequence changes on RNA splicing suggest that this variant may create or strengthen a splice site, but this prediction has not been confirmed by published transcriptional studies. In summary, the available evidence is currently insufficient to determine the role of this variant in disease. Therefore, it has been classified as a Variant of Uncertain Significance.

NM_015910.7(WDPCP):c.1511C>T (p.Ala504Val)

Gene: WDPCP (WD repeat containing planar cell polarity effector; minus strand). Cytogenetic location: 2p15.
Variant type: single nucleotide variant.
Coding change: c.1511C>T on transcript NM_015910.7 (MANE Select); coding-DNA position 1511, C replaced by T.
Protein change: p.Ala504Val; replaces alanine 504 with valine.
Molecular consequence: missense variant. On other transcripts: non-coding transcript variant (3).
Genome position (GRCh38, 1-based): chr2:63,382,019, G>A on the plus strand (C>T on the coding strand, the complement: WDPCP is on the minus strand). VCF-style: chr2-63382019-G-A. GRCh37 (hg19) VCF-style: chr2-63609154-G-A.
Other names: c.1034C>T, p.Ala345Val (NM_001042692.3); c.1439C>T, p.Ala480Val (NM_001354044.2); c.1511C>T, p.Ala504Val (NM_001354045.2); short protein forms A345V, A480V, A504V.
Identifiers: ClinVar variation 1056045 (VCV001056045.9), dbSNP rs1462636982, ClinGen allele CA347063434.